The following is an entry in ClinVar:

ClinVar aggregate classification (germline): Pathogenic (1 of 4 stars; one submission).

Conditions:
Early-infantile DEE. Also called: Early infantile epileptic encephalopathy; Early infantile epileptic encephalopathy with suppression bursts; Ohtahara syndrome. Identifiers: Orphanet 1934, MedGen C0393706, MONDO:0800491.

Submission:

Labcorp Genetics (formerly Invitae), Labcorp
Classification: Pathogenic for Early-infantile DEE. Last evaluated: 2023-04-09. Review status: criteria provided, single submitter. Criteria: Invitae Variant Classification Sherloc (09022015). Collection method: clinical testing. Allele origin: germline.
Comment: For these reasons, this variant has been classified as Pathogenic. This variant has not been reported in the literature in individuals affected with KCNQ2-related conditions. This variant is not present in population databases (gnomAD no frequency). This sequence change creates a premature translational stop signal (p.Gln3Argfs*18) in the KCNQ2 gene. It is expected to result in an absent or disrupted protein product. Loss-of-function variants in KCNQ2 are known to be pathogenic (PMID: 14534157, 23692823, 27779742).

Literature cited by the submitters: PubMed 14534157; PubMed 23692823; PubMed 27779742.

NM_172107.4(KCNQ2):c.7del (p.Gln3fs)

Gene: KCNQ2 (potassium voltage-gated channel subfamily Q member 2; minus strand). Cytogenetic location: 20q13.33.
Variant type: Deletion.
Coding change: c.7del on transcript NM_172107.4 (MANE Select); coding-DNA position 7, one base deleted (C; older notation c.7delC).
Protein change: p.Gln3fs; shifts the reading frame from glutamine 3.
Molecular consequence: frameshift variant.
Genome position (GRCh38, 1-based): chr20:63,472,457, G deleted on the plus strand (C on the coding strand, the reverse complement: KCNQ2 is on the minus strand). VCF-style (leftmost placement, unchanged base first): chr20-63472456-TG-T. GRCh37 (hg19) VCF-style: chr20-62103809-TG-T.
Other names: c.7del, p.Gln3fs (NM_001382235.1, NM_004518.6, NM_172106.3 and 2 more transcripts); short protein forms Q3fs.
Identifiers: ClinVar variation 2841111 (VCV002841111.3), dbSNP rs2516747811, ClinGen allele CA2739277263.